The following is an entry in ClinVar:

ClinVar aggregate classification (germline): Uncertain significance. Review status: criteria provided, multiple submitters, no conflicts (2 of 4 stars). 2 submissions from 2 submitters: Uncertain significance (2). Last evaluated 2022-07-26.

Conditions:
Inborn genetic diseases. Identifiers: MedGen C0950123, MeSH D030342.

gnomAD v4.1: 5 of 1,596,332 alleles (0.00031%); highest among the groups gnomAD compares: South Asian, 0.0011%; no homozygotes.

Submissions (2):

Ambry Genetics
Classification: Uncertain significance for Inborn genetic diseases. Last evaluated: 2022-07-26. Review status: criteria provided, single submitter. Criteria: Ambry Variant Classification Scheme 2023. Collection method: clinical testing. Allele origin: germline.

Labcorp Genetics (formerly Invitae), Labcorp
Classification: Uncertain significance. Last evaluated: 2022-02-19. Review status: criteria provided, single submitter. Criteria: Invitae Variant Classification Sherloc (09022015). Collection method: clinical testing. Allele origin: germline.
Comment: This variant is present in population databases (no rsID available, gnomAD 0.001%). This sequence change replaces glycine, which is neutral and non-polar, with serine, which is neutral and polar, at codon 4219 of the VPS13D protein (p.Gly4219Ser). In summary, the available evidence is currently insufficient to determine the role of this variant in disease. Therefore, it has been classified as a Variant of Uncertain Significance. Algorithms developed to predict the effect of missense changes on protein structure and function are either unavailable or do not agree on the potential impact of this missense change (SIFT: "Not Available"; PolyPhen-2: "Possibly Damaging"; Align-GVGD: "Not Available"). This variant has not been reported in the literature in individuals affected with VPS13D-related conditions.

NM_015378.4(VPS13D):c.12655G>A (p.Gly4219Ser)

Gene: VPS13D (vacuolar protein sorting 13 homolog D; plus strand). Cytogenetic location: 1p36.22.
Variant type: single nucleotide variant.
Coding change: c.12655G>A on transcript NM_015378.4 (MANE Select); coding-DNA position 12655, G replaced by A.
Protein change: p.Gly4219Ser; replaces glycine 4219 with serine.
Molecular consequence: missense variant.
Genome position (GRCh38, 1-based): chr1:12,460,389, G>A. VCF-style: chr1-12460389-G-A. GRCh37 (hg19) VCF-style: chr1-12520444-G-A.
Other names: c.12580G>A, p.Gly4194Ser (NM_018156.4); short protein forms G4194S, G4219S.
Identifiers: ClinVar variation 1937222 (VCV001937222.6), dbSNP rs1269675003, ClinGen allele CA338487398.